The following is an entry in ClinVar:

NM_001378902.1(ROS1):c.3543C>T (p.Ala1181=)

Gene: ROS1 (ROS proto-oncogene 1, receptor tyrosine kinase; minus strand). Cytogenetic location: 6q22.1.
Variant type: single nucleotide variant.
Coding change: c.3543C>T on transcript NM_001378902.1 (MANE Select); coding-DNA position 3543, C replaced by T.
Protein change: p.Ala1181=; no amino-acid change (alanine 1181 retained).
Molecular consequence: synonymous variant.
Genome position (GRCh38, 1-based): chr6:117,359,899, G>A on the plus strand (C>T on the coding strand, the complement: ROS1 is on the minus strand). VCF-style: chr6-117359899-G-A. GRCh37 (hg19) VCF-style: chr6-117681062-G-A.
Other names: c.3546C>T, p.Ala1182= (NM_001378891.1); c.3558C>T, p.Ala1186= (NM_002944.3).
Identifiers: ClinVar variation 2656872 (VCV002656872.24), dbSNP rs56076986, ClinGen allele CA3974929.

ClinVar aggregate classification (germline): Likely benign (1 of 4 stars; one submission).

Allele frequency attached by ClinVar (database versions not stated): gnomAD exomes 0.00043; gnomAD 0.00047; TOPMed 0.00049; ExAC 0.00073; ESP Exome Variant Server 0.00092.
gnomAD v4.1: 768 of 1,613,638 alleles (0.048%); highest among the groups gnomAD compares: Non-Finnish European, 0.011%; 3 homozygotes.

Submission:

CeGaT Center for Human Genetics Tuebingen
Classification: Likely benign. Last evaluated: 2023-04-01. Review status: criteria provided, single submitter. Criteria: CeGaT Center For Human Genetics Tuebingen Variant Classification Criteria Version 2. Collection method: clinical testing. Allele origin: germline. Affected: yes. Observed: 1 variant allele.
Comment: ROS1: BP4, BP7